The following is an entry in ClinVar:

ClinVar aggregate classification (germline): Uncertain significance (1 of 4 stars; one submission).

Allele frequency attached by ClinVar (database versions not stated): TOPMed below 0.00001.

Submission:

CeGaT Center for Human Genetics Tuebingen
Classification: Uncertain significance. Last evaluated: 2022-04-01. Review status: criteria provided, single submitter. Criteria: CeGaT Center For Human Genetics Tuebingen Variant Classification Criteria Version 2. Collection method: clinical testing. Allele origin: germline. Affected: yes. Observed: 1 variant allele.
Comment: IGSF1: PM2, BP4

NM_001555.5(IGSF1):c.2515G>A (p.Val839Met)

Gene: IGSF1 (immunoglobulin superfamily member 1; minus strand). Cytogenetic location: Xq26.1.
Variant type: single nucleotide variant.
Coding change: c.2515G>A on transcript NM_001555.5 (MANE Select); coding-DNA position 2515, G replaced by A.
Protein change: p.Val839Met; replaces valine 839 with methionine.
Molecular consequence: missense variant.
Genome position (GRCh38, 1-based): chrX:131,277,032, C>T on the plus strand (G>A on the coding strand, the complement: IGSF1 is on the minus strand). VCF-style: chrX-131277032-C-T. GRCh37 (hg19) VCF-style: chrX-130411006-C-T.
Other names: c.2530G>A, p.Val844Met (NM_001170961.2); c.2488G>A, p.Val830Met (NM_001170962.2); short protein forms V830M, V839M, V844M.
Identifiers: ClinVar variation 1695316 (VCV001695316.31), dbSNP rs1288186108, ClinGen allele CA414562194.